The following is an entry in ClinVar:

ClinVar aggregate classification (germline): Likely benign (1 of 4 stars; one submission).

Conditions:
ALPK1-related disorder. Also called: ALPK1-related condition.

gnomAD v4.1: 23 of 1,603,308 alleles (0.0014%); highest among the groups gnomAD compares: East Asian, 0.045%; no homozygotes.

Submission:

PreventionGenetics, part of Exact Sciences
Classification: Likely benign for ALPK1-related condition. Last evaluated: 2026-06-17. Review status: criteria provided, single submitter. Criteria: ACMG Guidelines, 2015. Collection method: clinical testing. Allele origin: germline.
Comment: This variant is classified as likely benign based on ACMG/AMP sequence variant interpretation guidelines (Richards et al. 2015 PMID: 25741868, with internal and published modifications).

NM_025144.4(ALPK1):c.3528C>A (p.Val1176=)

Gene: ALPK1 (alpha kinase 1; plus strand). Cytogenetic location: 4q25.
Variant type: single nucleotide variant.
Coding change: c.3528C>A on transcript NM_025144.4 (MANE Select); coding-DNA position 3528, C replaced by A.
Protein change: p.Val1176=; no amino-acid change (valine 1176 retained).
Molecular consequence: synonymous variant.
Genome position (GRCh38, 1-based): chr4:112,439,862, C>A. VCF-style: chr4-112439862-C-A. GRCh37 (hg19) VCF-style: chr4-113361018-C-A.
Other names: c.3528C>A, p.Val1176= (NM_001102406.2); c.3294C>A, p.Val1098= (NM_001253884.2).
Identifiers: ClinVar variation 4983740 (VCV004983740.1).